The following is an entry in ClinVar:

ClinVar aggregate classification (germline): Pathogenic (1 of 4 stars; one submission).

Conditions:
Familial hypocalciuric hypercalcemia (FHH). Also called: Familial benign hypercalcemia. Identifiers: Orphanet 405, MedGen C1809471, MONDO:0018458.
Autosomal dominant hypocalcemia 1 (HYPOC1). Also called: HYPOCALCEMIA, FAMILIAL. Identifiers: MedGen C3715128, MONDO:0011013, OMIM 601198.

Submission:

Labcorp Genetics (formerly Invitae), Labcorp
Classification: Pathogenic for Familial hypocalciuric hypercalcemia; Autosomal dominant hypocalcemia 1. Last evaluated: 2023-08-31. Review status: criteria provided, single submitter. Criteria: Invitae Variant Classification Sherloc (09022015). Collection method: clinical testing. Allele origin: germline.
Comment: This variant has not been reported in the literature in individuals affected with CASR-related conditions. This variant is not present in population databases (gnomAD no frequency). This sequence change creates a premature translational stop signal (p.Glu241Asnfs*16) in the CASR gene. It is expected to result in an absent or disrupted protein product. Loss-of-function variants in CASR are known to be pathogenic (PMID: 11807402, 14985373, 22422767). For these reasons, this variant has been classified as Pathogenic.

Literature cited by the submitters: PubMed 11807402; PubMed 14985373; PubMed 22422767.

NM_000388.4(CASR):c.721del (p.Glu241fs)

Gene: CASR (calcium sensing receptor; plus strand). Cytogenetic location: 3q21.1.
Variant type: Deletion.
Coding change: c.721del on transcript NM_000388.4 (MANE Select); coding-DNA position 721, one base deleted (G; older notation c.721delG).
Protein change: p.Glu241fs; shifts the reading frame from glutamic acid 241.
Molecular consequence: frameshift variant.
Genome position (GRCh38, 1-based): chr3:122,261,756, G deleted. VCF-style (leftmost placement, unchanged base first): chr3-122261755-TG-T. GRCh37 (hg19) VCF-style: chr3-121980602-TG-T.
Other names: c.721del, p.Glu241fs (NM_001178065.2); short protein forms E241fs.
Identifiers: ClinVar variation 2947232 (VCV002947232.3), dbSNP rs2473226161, ClinGen allele CA2740094560.